The following is an entry in ClinVar:

NM_001110556.2(FLNA):c.6710G>C (p.Gly2237Ala)

Gene: FLNA (filamin A; minus strand). Cytogenetic location: Xq28.
Variant type: single nucleotide variant.
Coding change: c.6710G>C on transcript NM_001110556.2 (MANE Select); coding-DNA position 6710, G replaced by C.
Protein change: p.Gly2237Ala; replaces glycine 2237 with alanine.
Molecular consequence: missense variant.
Genome position (GRCh38, 1-based): chrX:154,352,240, C>G on the plus strand (G>C on the coding strand, the complement: FLNA is on the minus strand). VCF-style: chrX-154352240-C-G. GRCh37 (hg19) VCF-style: chrX-153580608-C-G.
Other names: c.6686G>C, p.Gly2229Ala (NM_001456.4); short protein forms G2229A, G2237A.
Identifiers: ClinVar variation 3753971 (VCV003753971.2).

ClinVar aggregate classification (germline): Uncertain significance (1 of 4 stars; one submission).

Conditions:
Melnick-Needles syndrome (MNS). Also called: MELNICK-NEEDLES OSTEODYSPLASTY; OSTEODYSPLASTY OF MELNICK AND NEEDLES; Melnick-Needles Syndrome (FLNA-MNS). Identifiers: Orphanet 2484, MedGen C0025237, MONDO:0010650, OMIM 309350.
Frontometaphyseal dysplasia (FMD1). Identifiers: Orphanet 1826, MedGen C0265293, MONDO:0015942.
Heterotopia, periventricular, X-linked dominant (PVNH1). Also called: PERIVENTRICULAR NODULAR HETEROTOPIA 1; X-linked periventricular heterotopia; PERIVENTRICULAR NODULAR HETEROTOPIA 4; HETEROTOPIA, PERIVENTRICULAR, 1. Identifiers: Orphanet 2149, Orphanet 82004, MedGen C1848213, MONDO:0010233, OMIM 300049.
Oto-palato-digital syndrome, type II (OPD2). Also called: FACIOPALATOOSSEOUS SYNDROME; OPD II SYNDROME; Otopalatodigital Syndrome, Type II; Otopalatodigital Syndrome Type 2 (FLNA-OPD2). Identifiers: Orphanet 669, Orphanet 90652, MedGen C1844696, MONDO:0010571, OMIM 304120.

Submission:

Labcorp Genetics (formerly Invitae), Labcorp
Classification: Uncertain significance for Oto-palato-digital syndrome, type II; Heterotopia, periventricular, X-linked dominant; Frontometaphyseal dysplasia; Melnick-Needles syndrome. Last evaluated: 2024-02-06. Review status: criteria provided, single submitter. Criteria: Invitae Variant Classification Sherloc (09022015). Collection method: clinical testing. Allele origin: germline.
Comment: This sequence change replaces glycine, which is neutral and non-polar, with alanine, which is neutral and non-polar, at codon 2229 of the FLNA protein (p.Gly2229Ala). This variant is not present in population databases (gnomAD no frequency). This variant has not been reported in the literature in individuals affected with FLNA-related conditions. Advanced modeling of protein sequence and biophysical properties (such as structural, functional, and spatial information, amino acid conservation, physicochemical variation, residue mobility, and thermodynamic stability) performed at Invitae indicates that this missense variant is not expected to disrupt FLNA protein function with a negative predictive value of 95%. In summary, the available evidence is currently insufficient to determine the role of this variant in disease. Therefore, it has been classified as a Variant of Uncertain Significance.